The following is an entry in ClinVar:

NM_006939.4(SOS2):c.3251C>T (p.Thr1084Ile)

Gene: SOS2 (SOS Ras/Rho guanine nucleotide exchange factor 2; minus strand). Cytogenetic location: 14q21.3.
Variant type: single nucleotide variant.
Coding change: c.3251C>T on transcript NM_006939.4 (MANE Select); coding-DNA position 3251, C replaced by T.
Protein change: p.Thr1084Ile; replaces threonine 1084 with isoleucine.
Molecular consequence: missense variant.
Genome position (GRCh38, 1-based): chr14:50,130,587, G>A on the plus strand (C>T on the coding strand, the complement: SOS2 is on the minus strand). VCF-style: chr14-50130587-G-A. GRCh37 (hg19) VCF-style: chr14-50597305-G-A.
Other names: c.3152C>T, p.Thr1051Ile (NM_001411020.1); short protein forms T1051I, T1084I.
Identifiers: ClinVar variation 2706407 (VCV002706407.3), dbSNP rs2502825382, ClinGen allele CA389640540.
Genomic context (GRCh38, chr14:50,130,587, plus strand): 5'-AAAAATACACTAAGGTCTGAAGAAGCAGATACTGGTGGAGTAGATGGTGTATTTGGAGAG[G>A]TTGGTGCTGACACTGTTGATTCCAGCTCAGTTTCAGCAATCCGACTAAAGCTTATTTTAC-3'
Protein context (NP_008870.2, residues 1074-1094): TELESTVSAP[Thr1084Ile]SPNTPSTPPV

ClinVar aggregate classification (germline): Uncertain significance (1 of 4 stars; one submission).

Conditions:
Noonan syndrome 9 (NS9). Identifiers: Orphanet 648, MedGen C4225282, MONDO:0014691, OMIM 616559.

Submission:

Labcorp Genetics (formerly Invitae), Labcorp
Classification: Uncertain significance for Noonan syndrome 9. Last evaluated: 2023-12-30. Review status: criteria provided, single submitter. Criteria: Invitae Variant Classification Sherloc (09022015). Collection method: clinical testing. Allele origin: germline.
Comment: This sequence change replaces threonine, which is neutral and polar, with isoleucine, which is neutral and non-polar, at codon 1084 of the SOS2 protein (p.Thr1084Ile). This variant is not present in population databases (gnomAD no frequency). This variant has not been reported in the literature in individuals affected with SOS2-related conditions. Advanced modeling of protein sequence and biophysical properties (such as structural, functional, and spatial information, amino acid conservation, physicochemical variation, residue mobility, and thermodynamic stability) performed at Invitae indicates that this missense variant is not expected to disrupt SOS2 protein function with a negative predictive value of 95%. In summary, the available evidence is currently insufficient to determine the role of this variant in disease. Therefore, it has been classified as a Variant of Uncertain Significance.